The following is an entry in ClinVar:

NM_212482.4(FN1):c.4844G>A (p.Arg1615His)

Gene: FN1 (fibronectin 1; minus strand). Cytogenetic location: 2q35.
Variant type: single nucleotide variant.
Coding change: c.4844G>A on transcript NM_212482.4 (MANE Select); coding-DNA position 4844, G replaced by A.
Protein change: p.Arg1615His; replaces arginine 1615 with histidine.
Molecular consequence: missense variant.
Genome position (GRCh38, 1-based): chr2:215,384,070, C>T on the plus strand (G>A on the coding strand, the complement: FN1 is on the minus strand). VCF-style: chr2-215384070-C-T. GRCh37 (hg19) VCF-style: chr2-216248793-C-T.
Other names: c.4844G>A, p.Arg1615His (NM_001306129.2, NM_001306130.2, NM_001365517.2 and 3 more transcripts); c.4571G>A, p.Arg1524His (NM_001306131.2, NM_001306132.2, NM_001365518.2 and 7 more transcripts); short protein forms R1524H, R1615H.
Identifiers: ClinVar variation 2131672 (VCV002131672.4), dbSNP rs2469590428, ClinGen allele CA350479029.

ClinVar aggregate classification (germline): Uncertain significance (1 of 4 stars; one submission).

Allele frequency attached by ClinVar (database versions not stated): gnomAD exomes below 0.00001.
gnomAD v4.1: 3 of 1,614,114 alleles (0.00019%); highest among the groups gnomAD compares: Non-Finnish European, 0.00017%; no homozygotes.

Submission:

Labcorp Genetics (formerly Invitae), Labcorp
Classification: Uncertain significance. Last evaluated: 2022-09-20. Review status: criteria provided, single submitter. Criteria: Invitae Variant Classification Sherloc (09022015). Collection method: clinical testing. Allele origin: germline.
Comment: In summary, the available evidence is currently insufficient to determine the role of this variant in disease. Therefore, it has been classified as a Variant of Uncertain Significance. Algorithms developed to predict the effect of missense changes on protein structure and function are either unavailable or do not agree on the potential impact of this missense change (SIFT: "Not Available"; PolyPhen-2: "Probably Damaging"; Align-GVGD: "Not Available"). This variant has not been reported in the literature in individuals affected with FN1-related conditions. This variant is not present in population databases (gnomAD no frequency). This sequence change replaces arginine, which is basic and polar, with histidine, which is basic and polar, at codon 1615 of the FN1 protein (p.Arg1615His).